The following is an entry in ClinVar:

NM_001267550.2(TTN):c.14698G>A (p.Ala4900Thr)

Gene: TTN (titin; minus strand). Cytogenetic location: 2q31.2.
Variant type: single nucleotide variant.
Coding change: c.14698G>A on transcript NM_001267550.2 (MANE Select); coding-DNA position 14698, G replaced by A.
Protein change: p.Ala4900Thr; replaces alanine 4900 with threonine.
Molecular consequence: missense variant. On other transcripts: intron variant (3).
Genome position (GRCh38, 1-based): chr2:178,735,748, C>T on the plus strand (G>A on the coding strand, the complement: TTN is on the minus strand). VCF-style: chr2-178735748-C-T. GRCh37 (hg19) VCF-style: chr2-179600475-C-T.
Other names: p.A4583T:GCT>ACT; c.13747G>A, p.Ala4583Thr (NM_001256850.1); c.10966G>A, p.Ala3656Thr (NM_133378.4); c.13282+2334G>A (NM_003319.4); c.13858+2334G>A (NM_133437.4); c.13657+2334G>A (NM_133432.3); short protein forms A4900T, A3656T, A4583T.
Identifiers: ClinVar variation 46591 (VCV000046591.83), dbSNP rs72648923, ClinGen allele CA138683.

ClinVar aggregate classification (germline): Benign/Likely benign. Review status: criteria provided, multiple submitters, no conflicts (2 of 4 stars). 25 submissions from 21 submitters: Benign (15); Likely benign (3). 7 of the submissions do not count toward it. Last evaluated 2026-09-01.

Conditions:
Cardiovascular phenotype. Identifiers: MedGen CN230736.
TTN-related disorder. Also called: TTN-related disorders; TTN-related condition; TTN-related disease.
Dilated cardiomyopathy 1G (CMD1G). Identifiers: Orphanet 154, MedGen C1858763, MONDO:0011400, OMIM 604145.
Autosomal recessive limb-girdle muscular dystrophy type 2J (LGMDR10). Also called: MUSCULAR DYSTROPHY, LIMB-GIRDLE, AUTOSOMAL RECESSIVE 10; Limb-girdle muscular dystrophy, type 2J. Identifiers: Orphanet 140922, MedGen C1837342, MONDO:0012127, OMIM 608807.
Cardiomyopathy (CMYO). Also called: Cardiomyopathies. Identifiers: Orphanet 167848, MedGen C0878544, MONDO:0004994, HP:0001638. Inheritance: Various modes of inheritance.
Long QT syndrome (LQTS). Identifiers: MedGen C0023976, MeSH D008133, MONDO:0002442. Disease mechanism: loss of function. Inheritance: Various modes of inheritance.
Early-onset myopathy with fatal cardiomyopathy (CMYO5). Also called: CONGENITAL MYOPATHY 5 WITH CARDIOMYOPATHY; Salih Myopathy. Identifiers: Orphanet 289377, MedGen C2673677, MONDO:0012714, OMIM 611705. Disease mechanism: loss of function.
Myopathy, myofibrillar, 9, with early respiratory failure (MFM9). Also called: Myopathy, distal, with early respiratory failure, autosomal dominant; Hereditary myopathy with early respiratory failure; MYOPATHY, PROXIMAL, WITH EARLY RESPIRATORY MUSCLE INVOLVEMENT; EDSTROM MYOPATHY. Identifiers: Orphanet 178464, Orphanet 34521, MedGen C1863599, MONDO:0011362, OMIM 603689.
Tibial muscular dystrophy (TMD). Also called: Udd Distal Myopathy – Tibial Muscular Dystrophy; Tibial muscular dystrophy, tardive; UDD MYOPATHY. Identifiers: Orphanet 609, MedGen C1838244, MONDO:0010870, OMIM 600334.

Allele frequency attached by ClinVar (database versions not stated): ESP Exome Variant Server 0.00234; gnomAD 0.00324 and 0.00332; 1000 Genomes Project 30x 0.00141; ExAC 0.00342; TOPMed 0.00150; 1000 Genomes Project 0.00180.
gnomAD v4.1: 4,111 of 1,613,770 alleles (0.25%); highest among the groups gnomAD compares: Non-Finnish European, 0.24%; 23 homozygotes.

Submissions (25):

CeGaT Center for Human Genetics Tuebingen
Classification: Likely benign. Last evaluated: 2026-09-01. Review status: criteria provided, single submitter. Criteria: CeGaT Center For Human Genetics Tuebingen Variant Classification Criteria Version 2. Collection method: clinical testing. Allele origin: germline. Affected: yes. Observed: 69 variant alleles.
Comment: TTN: BS2

Labcorp Genetics (formerly Invitae), Labcorp
Classification: Benign for Dilated cardiomyopathy 1G; Autosomal recessive limb-girdle muscular dystrophy type 2J. Last evaluated: 2026-02-04. Review status: criteria provided, single submitter. Criteria: Invitae Variant Classification Sherloc (09022015). Collection method: clinical testing. Allele origin: germline.

Molecular Diagnostic Laboratory for Inherited Cardiovascular Disease, Montreal Heart Institute
Classification: Benign. Last evaluated: 2025-04-09. Review status: criteria provided, single submitter. Criteria: ACMG Guidelines, 2015. Collection method: clinical testing. Allele origin: germline. Affected: no.

Blueprint Genetics
Classification: Likely benign. Last evaluated: 2024-11-21. Review status: criteria provided, single submitter. Criteria: ACMG Guidelines, 2015. Collection method: clinical testing. Allele origin: germline.

Mayo Clinic Laboratories, Mayo Clinic
Classification: Benign. Last evaluated: 2024-09-23. Review status: criteria provided, single submitter. Criteria: ACMG Guidelines, 2015. Collection method: clinical testing. Allele origin: germline. Observed: 10 variant alleles.

Women's Health and Genetics/Laboratory Corporation of America, LabCorp
Classification: Benign. Last evaluated: 2020-08-17. Review status: criteria provided, single submitter. Criteria: LabCorp Variant Classification Summary - May 2015. Collection method: clinical testing. Allele origin: germline.
Comment: Variant summary: TTN c.10966G>A (p.Ala3656Thr) results in a non-conservative amino acid change located in the I-band of the encoded protein sequence. Two of four in-silico tools predict a benign effect of the variant on protein function. The variant allele was found at a frequency of 0.0034 in 248448 control chromosomes in the gnomAD database, including 2 homozygotes. The observed variant frequency is approximately 9 fold of the estimated maximal expected allele frequency for a pathogenic variant in TTN causing Dilated Cardiomyopathy phenotype (0.00039), strongly suggesting that the variant is benign. To our knowledge, no occurrence of c.10966G>A in individuals affected with Dilated Cardiomyopathy and no experimental evidence demonstrating its impact on protein function have been reported. Seven clinical diagnostic laboratories have submitted clinical-significance assessments for this variant to ClinVar after 2014 without evidence for independent evaluation (benign n=6, VUS n=1). Based on the evidence outlined above, the variant was classified as benign.

ARUP Laboratories, Molecular Genetics and Genomics, ARUP Laboratories
Classification: Benign. Last evaluated: 2020-02-20. Review status: criteria provided, single submitter. Criteria: ARUP Molecular Germline Variant Investigation Process. Collection method: clinical testing. Allele origin: germline.

Center for Advanced Laboratory Medicine, UC San Diego Health, University of California San Diego
Classification: Benign for Long QT Syndrome. Last evaluated: 2017-10-25. Review status: criteria provided, single submitter. Criteria: ACMG Guidelines, 2015. Collection method: clinical testing. Allele origin: germline. Affected: yes. Observed: 1 variant allele.

Illumina Laboratory Services, Illumina
Classification: Benign for Myopathy, myofibrillar, 9, with early respiratory failure. Last evaluated: 2017-08-16. Review status: criteria provided, single submitter. Criteria: ICSL Variant Classification Criteria 13 December 2019. Collection method: clinical testing. Allele origin: germline.
Comment: This variant was observed as part of a predisposition screen in an ostensibly healthy population. A literature search was performed for the gene, cDNA change, and amino acid change (where applicable). No publications were found based on this search. Allele frequency data from public databases was too high to be consistent with this variant causing disease. Therefore, this variant is classified as benign.

Illumina Laboratory Services, Illumina
Classification: Benign for Autosomal recessive limb-girdle muscular dystrophy type 2J. Last evaluated: 2017-08-16. Review status: criteria provided, single submitter. Criteria: ICSL Variant Classification Criteria 13 December 2019. Collection method: clinical testing. Allele origin: germline.
Comment: the same text as in the submission from Illumina Laboratory Services, Illumina above.

Illumina Laboratory Services, Illumina
Classification: Benign for Early-onset myopathy with fatal cardiomyopathy. Last evaluated: 2017-08-16. Review status: criteria provided, single submitter. Criteria: ICSL Variant Classification Criteria 13 December 2019. Collection method: clinical testing. Allele origin: germline.
Comment: the same text as in the submission from Illumina Laboratory Services, Illumina above.

Illumina Laboratory Services, Illumina
Classification: Benign for Tibial muscular dystrophy. Last evaluated: 2017-08-16. Review status: criteria provided, single submitter. Criteria: ICSL Variant Classification Criteria 13 December 2019. Collection method: clinical testing. Allele origin: germline.
Comment: the same text as in the submission from Illumina Laboratory Services, Illumina above.

Illumina Laboratory Services, Illumina
Classification: Benign for Dilated cardiomyopathy 1G. Last evaluated: 2017-08-16. Review status: criteria provided, single submitter. Criteria: ICSL Variant Classification Criteria 13 December 2019. Collection method: clinical testing. Allele origin: germline.
Comment: the same text as in the submission from Illumina Laboratory Services, Illumina above.

CHEO Genetics Diagnostic Laboratory, Children's Hospital of Eastern Ontario
Classification: Benign for Cardiomyopathy. Last evaluated: 2017-08-11. Review status: criteria provided, single submitter. Criteria: ACMG Guidelines, 2015. Collection method: clinical testing. Allele origin: germline. Study: Canadian Open Genetics Repository.

Eurofins Ntd Llc (ga)
Classification: Benign. Last evaluated: 2015-10-15. Review status: criteria provided, single submitter. Criteria: EGL Classification Definitions 2015. Collection method: clinical testing. Allele origin: germline. Observed: 1 variant allele, 1 heterozygote.

Biesecker Lab/Clinical Genomics Section, National Institutes of Health
Classification: Likely benign. Last evaluated: 2013-06-24. Review status: criteria provided, single submitter. Criteria: Ng et al. (Circ Cardiovasc Genet. 2013). Collection method: research. Allele origin: unknown. Observed: 4 variant alleles. Study: ClinSeq.
Comment: The study set was not selected for affection status in relation to any cancer. Pathogenicity categories were based on literature curation. See Pubmed ID:23861362 for details.

Medical sequencing

Ambry Genetics
Classification: Benign for Cardiovascular phenotype. Last evaluated: 2013-05-02. Review status: criteria provided, single submitter. Criteria: Ambry Autosomal Dominant and X-Linked criteria (10/2015). Collection method: clinical testing. Allele origin: germline. Observed: 1 variant allele.

Laboratory for Molecular Medicine, Mass General Brigham Personalized Medicine
Classification: Benign. Last evaluated: 2013-01-30. Review status: criteria provided, single submitter. Criteria: LMM Criteria. Collection method: clinical testing. Allele origin: germline. Observed: 12 variant alleles.
Comment: Ala3656Thr in exon 47 of TTN: This variant is not expected to have clinical sign ificance because it has been identified in 0.3% (27/8226) of European American c hromosomes from a broad population by the NHLBI Exome Sequencing Project, as well as in 3.2% (6/186) of Finnish chromosomes f rom a broad population by the 1000 Genomes Project (dbSNP rs72648923).

PreventionGenetics, part of Exact Sciences
Classification: Benign for TTN-related condition. Last evaluated: 2019-05-10. Review status: no assertion criteria provided. Collection method: clinical testing. Allele origin: germline. Not counted in ClinVar's aggregate classification.
Comment: This variant is classified as benign based on ACMG/AMP sequence variant interpretation guidelines (Richards et al. 2015 PMID: 25741868, with internal and published modifications).

GeneDx
No classification provided. Last evaluated: 2014-08-27. Review status: no classification provided. Criteria: GeneDx Variant Classification (06012015). Collection method: clinical testing. Allele origin: germline. Affected: yes. Not counted in ClinVar's aggregate classification.
Comment: Missense variants in the TTN gene are considered 'unclassified' if they are not previously reported in the literature and do not have >1% frequency in the population to be considered a polymorphism. Research indicates that truncating mutations in the TTN gene are expected to account for approximately 25% of familial and 18% of sporadic idiopathic DCM; however, truncating variants in the TTN gene have been reported in approximately 3% of reported control alleles. There has been little investigation into non-truncating variants. (Herman D et al. Truncations of titin causing dilated cardiomyopathy. N Eng J Med 366:619-628, 2012) The variant is found in DCM,DCM-CRDM,CARDIOMYOPATHY panel(s).

Clinical Genetics DNA and cytogenetics Diagnostics Lab, Erasmus MC, Erasmus Medical Center
Classification: Likely benign. Review status: no assertion criteria provided. Collection method: clinical testing. Allele origin: germline. Affected: yes. Study: VKGL Data-share Consensus. Not counted in ClinVar's aggregate classification.

Clinical Genetics, Academic Medical Center
Classification: Benign. Review status: no assertion criteria provided. Collection method: clinical testing. Allele origin: germline. Affected: yes. Study: VKGL Data-share Consensus. Not counted in ClinVar's aggregate classification.

Diagnostic Laboratory, Department of Genetics, University Medical Center Groningen
Classification: Likely benign. Review status: no assertion criteria provided. Collection method: clinical testing. Allele origin: germline. Affected: yes. Study: VKGL Data-share Consensus. Not counted in ClinVar's aggregate classification.

Genome Diagnostics Laboratory, University Medical Center Utrecht
Classification: Likely benign. Review status: no assertion criteria provided. Collection method: clinical testing. Allele origin: germline. Affected: yes. Study: VKGL Data-share Consensus. Not counted in ClinVar's aggregate classification.

Joint Genome Diagnostic Labs from Nijmegen and Maastricht, Radboudumc and MUMC+
Classification: Benign. Review status: no assertion criteria provided. Collection method: clinical testing. Allele origin: germline. Affected: yes. Study: VKGL Data-share Consensus. Not counted in ClinVar's aggregate classification.

Literature cited by the submitters: PubMed 27930701 (cited by Mayo Clinic Laboratories, Mayo Clinic).